The following is an entry in ClinVar:

NM_203288.2(RP9):c.316T>G (p.Trp106Gly)

Gene: RP9 (RP9 pre-mRNA splicing factor; minus strand). Cytogenetic location: 7p14.3.
Variant type: single nucleotide variant.
Coding change: c.316T>G on transcript NM_203288.2 (MANE Select); coding-DNA position 316, T replaced by G.
Protein change: p.Trp106Gly; replaces tryptophan 106 with glycine.
Molecular consequence: missense variant.
Genome position (GRCh38, 1-based): chr7:33,097,360, A>C on the plus strand (T>G on the coding strand, the complement: RP9 is on the minus strand). VCF-style: chr7-33097360-A-C. GRCh37 (hg19) VCF-style: chr7-33136972-A-C.
Other names: short protein forms W106G.
Identifiers: ClinVar variation 4769718 (VCV004769718.1).

ClinVar aggregate classification (germline): Uncertain significance (1 of 4 stars; one submission).

Submission:

Labcorp Genetics (formerly Invitae), Labcorp
Classification: Uncertain significance. Last evaluated: 2025-01-29. Review status: criteria provided, single submitter. Criteria: Invitae Variant Classification Sherloc (09022015). Collection method: clinical testing. Allele origin: germline.
Comment: This sequence change replaces tryptophan, which is neutral and slightly polar, with glycine, which is neutral and non-polar, at codon 106 of the RP9 protein (p.Trp106Gly). This variant is present in population databases (no rsID available, gnomAD 0.003%). This variant has not been reported in the literature in individuals affected with RP9-related conditions. An algorithm developed to predict the effect of missense changes on protein structure and function (PolyPhen-2) suggests that this variant is likely to be tolerated. In summary, the available evidence is currently insufficient to determine the role of this variant in disease. Therefore, it has been classified as a Variant of Uncertain Significance.